The following is an entry in ClinVar:

NM_001130438.3(SPTAN1):c.2315C>G (p.Pro772Arg)

Gene: SPTAN1 (spectrin alpha, non-erythrocytic 1; plus strand). Cytogenetic location: 9q34.11.
Variant type: single nucleotide variant.
Coding change: c.2315C>G on transcript NM_001130438.3 (MANE Select); coding-DNA position 2315, C replaced by G.
Protein change: p.Pro772Arg; replaces proline 772 with arginine.
Molecular consequence: missense variant.
Genome position (GRCh38, 1-based): chr9:128,584,403, C>G. VCF-style: chr9-128584403-C-G. GRCh37 (hg19) VCF-style: chr9-131346682-C-G.
Other names: c.2315C>G, p.Pro772Arg (NM_001195532.2, NM_001363759.2, NM_001363765.2 and 10 more transcripts); c.2351C>G, p.Pro784Arg (NM_001375312.2, NM_001375318.1, NM_001438440.1); short protein forms P772R, P784R.
Identifiers: ClinVar variation 4801847 (VCV004801847.1).
Genomic context (GRCh38, chr9:128,584,403, plus strand): 5'-CAGAAAACATCAAGAAGAAACAGGAAGCCCTCGTGGCTCGCTATGAGGCACTCAAGGAGC[C>G]CATGGTTGCCCGGAAGCAGAAGCTGGCCGATTCTCTGCGGTTGCAGCAGCTCTTCCGGGA-3'
Protein context (NP_001123910.1, residues 762-782): LVARYEALKE[Pro772Arg]MVARKQKLAD

ClinVar aggregate classification (germline): Uncertain significance (1 of 4 stars; one submission).

Conditions:
Early-infantile DEE. Also called: Early infantile epileptic encephalopathy; Early infantile epileptic encephalopathy with suppression bursts; Ohtahara syndrome. Identifiers: Orphanet 1934, MedGen C0393706, MONDO:0800491.

gnomAD v4.1: 1 of 1,614,102 alleles (0.000062%); highest among the groups gnomAD compares: Non-Finnish European, 0.000085%; no homozygotes.

Submission:

Labcorp Genetics (formerly Invitae), Labcorp
Classification: Uncertain significance for Early-infantile DEE. Last evaluated: 2025-10-11. Review status: criteria provided, single submitter. Criteria: Invitae Variant Classification Sherloc (09022015). Collection method: clinical testing. Allele origin: germline.
Comment: This sequence change replaces proline, which is neutral and non-polar, with arginine, which is basic and polar, at codon 772 of the SPTAN1 protein (p.Pro772Arg). This variant is not present in population databases (gnomAD no frequency). This variant has not been reported in the literature in individuals affected with SPTAN1-related conditions. Invitae Evidence Modeling of protein sequence and biophysical properties (such as structural, functional, and spatial information, amino acid conservation, physicochemical variation, residue mobility, and thermodynamic stability) has been performed for this missense variant. However, the output from this modeling did not meet the statistical confidence thresholds required to predict the impact of this variant on SPTAN1 protein function. In summary, the available evidence is currently insufficient to determine the role of this variant in disease. Therefore, it has been classified as a Variant of Uncertain Significance.